The following is an entry in ClinVar:

NM_001353345.2(SETD1B):c.1743C>G (p.Asp581Glu)

Gene: SETD1B (SET domain containing 1B, histone lysine methyltransferase; plus strand). Cytogenetic location: 12q24.31.
Variant type: single nucleotide variant.
Coding change: c.1743C>G on transcript NM_001353345.2 (MANE Select); coding-DNA position 1743, C replaced by G.
Protein change: p.Asp581Glu; replaces aspartic acid 581 with glutamic acid.
Molecular consequence: missense variant.
Genome position (GRCh38, 1-based): chr12:121,810,688, C>G. VCF-style: chr12-121810688-C-G. GRCh37 (hg19) VCF-style: chr12-122248594-C-G.
Other names: short protein forms D581E.
Identifiers: ClinVar variation 5039258 (VCV005039258.1).

ClinVar aggregate classification (germline): Likely benign (1 of 4 stars; one submission).

gnomAD v4.1: 188 of 1,550,774 alleles (0.012%); highest among the groups gnomAD compares: Non-Finnish European, 0.016%; no homozygotes.

Submission:

CeGaT Center for Human Genetics Tuebingen
Classification: Likely benign. Last evaluated: 2026-07-01. Review status: criteria provided, single submitter. Criteria: CeGaT Center For Human Genetics Tuebingen Variant Classification Criteria Version 2. Collection method: clinical testing. Allele origin: germline. Affected: yes. Observed: 1 variant allele.
Comment: SETD1B: BS2